The following is an entry in ClinVar:

NM_002487.3(NDN):c.602A>G (p.Lys201Arg)

Gene: NDN (necdin, MAGE family member; minus strand). Cytogenetic location: 15q11.2.
Variant type: single nucleotide variant.
Coding change: c.602A>G on transcript NM_002487.3 (MANE Select); coding-DNA position 602, A replaced by G.
Protein change: p.Lys201Arg; replaces lysine 201 with arginine.
Molecular consequence: missense variant.
Genome position (GRCh38, 1-based): chr15:23,686,616, T>C on the plus strand (A>G on the coding strand, the complement: NDN is on the minus strand). VCF-style: chr15-23686616-T-C. GRCh37 (hg19) VCF-style: chr15-23931763-T-C.
Other names: short protein forms K201R.
Identifiers: ClinVar variation 1331566 (VCV001331566.4), dbSNP rs2140757364, ClinGen allele CA391338946.

ClinVar aggregate classification (germline): Uncertain significance (0 of 4 stars; one submission).

Submission:

Greenwood Genetic Center Diagnostic Laboratories, Greenwood Genetic Center
Classification: Uncertain significance. Last evaluated: 2020-12-30. Review status: no assertion criteria provided. Collection method: clinical testing. Allele origin: germline. Affected: yes.
Comment: Gene of uncertain clinical significance